The following is an entry in ClinVar:

ClinVar aggregate classification (germline): Uncertain significance (1 of 4 stars; one submission).

gnomAD v4.1: 1 of 1,613,990 alleles (0.000062%); highest among the groups gnomAD compares: Non-Finnish European, 0.000085%; no homozygotes.

Submission:

GeneDx
Classification: Uncertain significance. Last evaluated: 2026-09-26. Review status: criteria provided, single submitter. Criteria: GeneDx Variant Classification Process June 2021. Collection method: clinical testing. Allele origin: germline.
Comment: Not observed at significant frequency in large population cohorts (gnomAD); In silico analysis supports that this missense variant has a deleterious effect on protein structure/function; Has not been previously published as pathogenic or benign to our knowledge

NM_001372066.1(TFAP2A):c.847C>T (p.Arg283Cys)

Gene: TFAP2A (transcription factor AP-2 alpha; minus strand). Cytogenetic location: 6p24.3.
Variant type: single nucleotide variant.
Coding change: c.847C>T on transcript NM_001372066.1 (MANE Select); coding-DNA position 847, C replaced by T.
Protein change: p.Arg283Cys; replaces arginine 283 with cysteine.
Molecular consequence: missense variant.
Genome position (GRCh38, 1-based): chr6:10,402,534, G>A on the plus strand (C>T on the coding strand, the complement: TFAP2A is on the minus strand). VCF-style: chr6-10402534-G-A. GRCh37 (hg19) VCF-style: chr6-10402767-G-A.
Other names: c.823C>T, p.Arg275Cys (NM_001032280.3); c.829C>T, p.Arg277Cys (NM_001042425.3); short protein forms R275C, R277C, R283C.
Identifiers: ClinVar variation 4526938 (VCV004526938.3).
Genomic context (GRCh38, chr6:10,402,534, plus strand): 5'-GCAAGTGGATTCGCTTACCCTCTACTAGTGATGTGAGCAGGGTAACGTTGGCAGCTTTAC[G>A]TCTCCCTGCAGGCAGATTTAATCCTATTTTGTCCAGTTTTTCTCTTAAAGATCTTCCTCC-3'
Protein context (NP_001358995.1, residues 273-293): KIGLNLPAGR[Arg283Cys]KAANVTLLTS